The following is an entry in ClinVar:

NM_205836.3(FBXO38):c.2992A>G (p.Asn998Asp)

Gene: FBXO38 (F-box protein 38; plus strand). Cytogenetic location: 5q32.
Variant type: single nucleotide variant.
Coding change: c.2992A>G on transcript NM_205836.3 (MANE Select); coding-DNA position 2992, A replaced by G.
Protein change: p.Asn998Asp; replaces asparagine 998 with aspartic acid.
Molecular consequence: missense variant.
Genome position (GRCh38, 1-based): chr5:148,438,466, A>G. VCF-style: chr5-148438466-A-G. GRCh37 (hg19) VCF-style: chr5-147818029-A-G.
Other names: c.2257A>G, p.Asn753Asp (NM_001271723.2); c.2767A>G, p.Asn923Asp (NM_030793.5); short protein forms N753D, N923D, N998D.
Identifiers: ClinVar variation 3724388 (VCV003724388.2).

ClinVar aggregate classification (germline): Uncertain significance (1 of 4 stars; one submission).

Conditions:
Distal hereditary motor neuropathy type 2. Identifiers: Orphanet 139525, MedGen C3711384, MeSH C580044, MONDO:0015352.

gnomAD v4.1: 1 of 1,614,044 alleles (0.000062%); highest among the groups gnomAD compares: Non-Finnish European, 0.000085%; no homozygotes.

Submission:

Labcorp Genetics (formerly Invitae), Labcorp
Classification: Uncertain significance for Distal hereditary motor neuropathy type 2. Last evaluated: 2024-10-31. Review status: criteria provided, single submitter. Criteria: Invitae Variant Classification Sherloc (09022015). Collection method: clinical testing. Allele origin: germline.
Comment: This sequence change replaces asparagine, which is neutral and polar, with aspartic acid, which is acidic and polar, at codon 923 of the FBXO38 protein (p.Asn923Asp). This variant is not present in population databases (gnomAD no frequency). This variant has not been reported in the literature in individuals affected with FBXO38-related conditions. An algorithm developed to predict the effect of missense changes on protein structure and function (PolyPhen-2) suggests that this variant is likely to be disruptive. In summary, the available evidence is currently insufficient to determine the role of this variant in disease. Therefore, it has been classified as a Variant of Uncertain Significance.